The following is an entry in ClinVar:

ClinVar aggregate classification (germline): Benign/Likely benign. Review status: criteria provided, multiple submitters, no conflicts (2 of 4 stars). 3 submissions from 3 submitters: Benign (1); Likely benign (1). 1 of the submissions does not count toward it. Last evaluated 2026-02-01.

Conditions:
COL18A1-related disorder. Also called: COL18A1-related condition; COL18A1-related disorders.

Allele frequency attached by ClinVar (database versions not stated): ESP Exome Variant Server 0.00065; 1000 Genomes Project 30x 0.00094; 1000 Genomes Project 0.00100.
gnomAD v4.1: 205 of 1,613,664 alleles (0.013%); highest among the groups gnomAD compares: African/African-American, 0.24%; 2 homozygotes.

Submissions (3):

Labcorp Genetics (formerly Invitae), Labcorp
Classification: Benign. Last evaluated: 2026-02-01. Review status: criteria provided, single submitter. Criteria: Invitae Variant Classification Sherloc (09022015). Collection method: clinical testing. Allele origin: germline.

Blueprint Genetics
Classification: Likely benign. Last evaluated: 2023-09-06. Review status: criteria provided, single submitter. Criteria: ACMG Guidelines, 2015. Collection method: clinical testing. Allele origin: germline.

PreventionGenetics, part of Exact Sciences
Classification: Likely benign for COL18A1-related condition. Last evaluated: 2024-09-05. Review status: no assertion criteria provided. Collection method: clinical testing. Allele origin: germline. Not counted in ClinVar's aggregate classification.
Comment: This variant is classified as likely benign based on ACMG/AMP sequence variant interpretation guidelines (Richards et al. 2015 PMID: 25741868, with internal and published modifications).

NM_001379500.1(COL18A1):c.1257C>A (p.Thr419=)

Gene: COL18A1 (collagen type XVIII alpha 1 chain; plus strand). Cytogenetic location: 21q22.3.
Variant type: single nucleotide variant.
Coding change: c.1257C>A on transcript NM_001379500.1 (MANE Select); coding-DNA position 1257, C replaced by A.
Protein change: p.Thr419=; no amino-acid change (threonine 419 retained).
Molecular consequence: synonymous variant.
Genome position (GRCh38, 1-based): chr21:45,479,910, C>A. VCF-style: chr21-45479910-C-A. GRCh37 (hg19) VCF-style: chr21-46899824-C-A.
Other names: c.1797C>A (NM_030582.3); c.1797C>A, p.Thr599= (NM_030582.4); c.2502C>A, p.Thr834= (NM_130444.3).
Identifiers: ClinVar variation 1169810 (VCV001169810.11), dbSNP rs183085141, ClinGen allele CA10066208.
Genomic context (GRCh38, chr21:45,479,910, plus strand): 5'-GCGGCCCATGGTGGTGCCTTCCCTGACCGGGCCCCCGGATGTTGTGTTCCAGGGCGACAC[C>A]GGGCCACAAGGCTTCCCCGGGACTCCAGGGGACGTAGGTCCCAAGGGCGACAAGGTGAGT-3'
Protein context (NP_001366429.1, residues 409-429): DPGEDGKPGD[Thr419=]GPQGFPGTPG